The following is an entry in ClinVar:

ClinVar aggregate classification (germline): Uncertain significance (1 of 4 stars; one submission).

Allele frequency attached by ClinVar (database versions not stated): gnomAD 0.00001; gnomAD exomes below 0.00001; TOPMed 0.00002.
gnomAD v4.1: 4 of 1,612,620 alleles (0.00025%); highest among the groups gnomAD compares: Admixed American, 0.0033%; no homozygotes.

Submission:

Labcorp Genetics (formerly Invitae), Labcorp
Classification: Uncertain significance. Last evaluated: 2025-10-13. Review status: criteria provided, single submitter. Criteria: Invitae Variant Classification Sherloc (09022015). Collection method: clinical testing. Allele origin: germline.
Comment: This sequence change falls in intron 5 of the TRAPPC12 gene. It does not directly change the encoded amino acid sequence of the TRAPPC12 protein. This variant is present in population databases (no rsID available, gnomAD 0.0009%). This variant has not been reported in the literature in individuals affected with TRAPPC12-related conditions. ClinVar contains an entry for this variant (Variation ID: 2098763). Algorithms developed to predict the effect of sequence changes on RNA splicing suggest that this variant may disrupt the consensus splice site. In summary, the available evidence is currently insufficient to determine the role of this variant in disease. Therefore, it has been classified as a Variant of Uncertain Significance.

NM_016030.6(TRAPPC12):c.1418-11T>C

Gene: TRAPPC12 (trafficking protein particle complex subunit 12; plus strand). Cytogenetic location: 2p25.3.
Variant type: single nucleotide variant.
Coding change: c.1418-11T>C on transcript NM_016030.6 (MANE Select); 11 bases into the intron before coding-DNA position 1418, T replaced by C.
Molecular consequence: intron variant.
Genome position (GRCh38, 1-based): chr2:3,443,768, T>C. VCF-style: chr2-3443768-T-C. GRCh37 (hg19) VCF-style: chr2-3447539-T-C.
Other names: c.1418-11T>C (NM_001321102.2).
Identifiers: ClinVar variation 2098763 (VCV002098763.4), dbSNP rs1433132091, ClinGen allele CA530464043.
Genomic context (GRCh38, chr2:3,443,768, plus strand): 5'-TCAAGTGTGCCAAGTATGAATGCGTGCTCAGTTATGGCAAACAAACTCACTCAGCACTGA[T>C]TGGATTCCAGGCTCCATGGTCCCCTTCTCGATGCGCATCTTGCACGCGGAGCTTCAGCAG-3'